The following is an entry in ClinVar:

NM_014915.3(ANKRD26):c.26G>T (p.Gly9Val)

Genes: ANKRD26 (ankyrin repeat domain 26; minus strand), LOC130003554 (ATAC-STARR-seq lymphoblastoid silent region 2243; plus strand). Cytogenetic location: 10p12.1.
Variant type: single nucleotide variant.
Coding change: c.26G>T on transcript NM_014915.3 (MANE Select); coding-DNA position 26, G replaced by T.
Protein change: p.Gly9Val; replaces glycine 9 with valine.
Molecular consequence: missense variant.
Genome position (GRCh38, 1-based): chr10:27,100,301, C>A on the plus strand (G>T on the coding strand, the complement: ANKRD26 is on the minus strand). VCF-style: chr10-27100301-C-A. GRCh37 (hg19) VCF-style: chr10-27389230-C-A.
Other names: c.26G>T, p.Gly9Val (NM_001256053.2); short protein forms G9V.
Identifiers: ClinVar variation 2893434 (VCV002893434.4), dbSNP rs751028014, ClinGen allele CA5449090.

ClinVar aggregate classification (germline): Uncertain significance. Review status: criteria provided, multiple submitters, no conflicts (2 of 4 stars). 2 submissions from 2 submitters: Uncertain significance (2). Last evaluated 2025-02-15.

Conditions:
Inborn genetic diseases. Identifiers: MedGen C0950123, MeSH D030342.

Allele frequency attached by ClinVar (database versions not stated): ExAC 0.00001; gnomAD 0.00001; TOPMed 0.00001.
gnomAD v4.1: 10 of 1,609,364 alleles (0.00062%); highest among the groups gnomAD compares: African/African-American, 0.0093%; no homozygotes.

Submissions (2):

Ambry Genetics
Classification: Uncertain significance for Inborn genetic diseases. Last evaluated: 2025-02-15. Review status: criteria provided, single submitter. Criteria: Ambry Variant Classification Scheme 2023. Collection method: clinical testing. Allele origin: germline.
Comment: The p.G9V variant (also known as c.26G>T), located in coding exon 1 of the ANKRD26 gene, results from a G to T substitution at nucleotide position 26. The glycine at codon 9 is replaced by valine, an amino acid with dissimilar properties. This amino acid position is conserved. In addition, this alteration is predicted to be tolerated by in silico analysis. Based on the available evidence, the clinical significance of this variant remains unclear.

Labcorp Genetics (formerly Invitae), Labcorp
Classification: Uncertain significance. Last evaluated: 2023-08-11. Review status: criteria provided, single submitter. Criteria: Invitae Variant Classification Sherloc (09022015). Collection method: clinical testing. Allele origin: germline.
Comment: This variant has not been reported in the literature in individuals affected with ANKRD26-related conditions. The frequency data for this variant in the population databases is considered unreliable, as metrics indicate poor data quality at this position in the gnomAD database. This sequence change replaces glycine, which is neutral and non-polar, with valine, which is neutral and non-polar, at codon 9 of the ANKRD26 protein (p.Gly9Val). An algorithm developed to predict the effect of missense changes on protein structure and function (PolyPhen-2) suggests that this variant is likely to be disruptive. In summary, the available evidence is currently insufficient to determine the role of this variant in disease. Therefore, it has been classified as a Variant of Uncertain Significance.